The following is an entry in ClinVar:

ClinVar aggregate classification (germline): Uncertain significance (1 of 4 stars; one submission).

gnomAD v4.1: 1 of 1,611,876 alleles (0.000062%); highest among the groups gnomAD compares: South Asian, 0.0011%; no homozygotes.

Submission:

CeGaT Center for Human Genetics Tuebingen
Classification: Uncertain significance. Last evaluated: 2022-03-01. Review status: criteria provided, single submitter. Criteria: CeGaT Center For Human Genetics Tuebingen Variant Classification Criteria Version 2. Collection method: clinical testing. Allele origin: germline. Affected: yes. Observed: 1 variant allele.
Comment: CPT1C: PM2, PS2:Moderate

NM_001199753.2(CPT1C):c.617C>T (p.Ala206Val)

Gene: CPT1C (carnitine palmitoyltransferase 1C; plus strand). Cytogenetic location: 19q13.33.
Variant type: single nucleotide variant.
Coding change: c.617C>T on transcript NM_001199753.2 (MANE Select); coding-DNA position 617, C replaced by T.
Protein change: p.Ala206Val; replaces alanine 206 with valine.
Molecular consequence: missense variant. On other transcripts: non-coding transcript variant (1).
Genome position (GRCh38, 1-based): chr19:49,701,558, C>T. VCF-style: chr19-49701558-C-T. GRCh37 (hg19) VCF-style: chr19-50204815-C-T.
Other names: c.617C>T, p.Ala206Val (NM_001136052.3, NM_001199752.3, NM_001378482.1 and 7 more transcripts); short protein forms A206V.
Identifiers: ClinVar variation 2650285 (VCV002650285.24), dbSNP rs2514088184, ClinGen allele CA406900626.